The following is an entry in ClinVar:

NM_021930.6(RINT1):c.589C>T (p.Leu197Phe)

Gene: RINT1 (RAD50 interactor 1; plus strand). Cytogenetic location: 7q22.3.
Variant type: single nucleotide variant.
Coding change: c.589C>T on transcript NM_021930.6 (MANE Select); coding-DNA position 589, C replaced by T.
Protein change: p.Leu197Phe; replaces leucine 197 with phenylalanine.
Molecular consequence: missense variant. On other transcripts: 5 prime UTR variant (2), non-coding transcript variant (1), intron variant (1).
Genome position (GRCh38, 1-based): chr7:105,546,983, C>T. VCF-style: chr7-105546983-C-T. GRCh37 (hg19) VCF-style: chr7-105187430-C-T.
Other names: c.355C>T, p.Leu119Phe (NM_001346599.2); c.-431C>T (NM_001346600.2); c.-334C>T (NM_001346601.2); c.-27-3072C>T (NM_001346603.2); short protein forms L197F, L119F.
Identifiers: ClinVar variation 3946006 (VCV003946006.1).
Genomic context (GRCh38, chr7:105,546,983, plus strand): 5'-CAATATCTGATGACCAATAATGTACCGGAGGCAGCCTCCACTCTAGTGTCTATGGCAGAA[C>T]TTGACATTAAACTTCAGGAATCATCTTGTACTCATCTTCTTGGTTTCATGAGAGCCACAG-3'
Protein context (NP_068749.3, residues 187-207): AASTLVSMAE[Leu197Phe]DIKLQESSCT

ClinVar aggregate classification (germline): Uncertain significance (1 of 4 stars; one submission).

Submission:

Ambry Genetics
Classification: Uncertain significance. Last evaluated: 2025-05-19. Review status: criteria provided, single submitter. Criteria: Ambry Variant Classification Scheme 2023. Collection method: clinical testing. Allele origin: germline.
Comment: The p.L197F variant (also known as c.589C>T), located in coding exon 5 of the RINT1 gene, results from a C to T substitution at nucleotide position 589. The leucine at codon 197 is replaced by phenylalanine, an amino acid with highly similar properties. This amino acid position is conserved. In addition, this alteration is predicted to be tolerated by in silico analysis. Based on the available evidence, the clinical significance of this variant remains unclear.